The following is an entry in ClinVar:

ClinVar aggregate classification (germline): Uncertain significance (1 of 4 stars; one submission).

Submission:

GeneDx
Classification: Uncertain significance. Last evaluated: 2025-02-27. Review status: criteria provided, single submitter. Criteria: GeneDx Variant Classification Process June 2021. Collection method: clinical testing. Allele origin: germline. Affected: yes.
Comment: Not observed at significant frequency in large population cohorts (gnomAD); In silico analysis indicates that this missense variant does not alter protein structure/function; Has not been previously published as pathogenic or benign to our knowledge

NM_016239.4(MYO15A):c.2435C>T (p.Pro812Leu)

Gene: MYO15A (myosin XVA; plus strand). Cytogenetic location: 17p11.2.
Variant type: single nucleotide variant.
Coding change: c.2435C>T on transcript NM_016239.4 (MANE Select); coding-DNA position 2435, C replaced by T.
Protein change: p.Pro812Leu; replaces proline 812 with leucine.
Molecular consequence: missense variant.
Genome position (GRCh38, 1-based): chr17:18,121,235, C>T. VCF-style: chr17-18121235-C-T. GRCh37 (hg19) VCF-style: chr17-18024549-C-T.
Other names: short protein forms P812L.
Identifiers: ClinVar variation 4077242 (VCV004077242.1).